The following is an entry in ClinVar:

ClinVar aggregate classification (germline): Benign. Review status: criteria provided, single submitter (1 of 4 stars). 2 submissions from 2 submitters: Benign (1). 1 of the submissions does not count toward it. Last evaluated 2018-06-14.

Allele frequency attached by ClinVar (database versions not stated): 1000 Genomes Project 0.80691; 1000 Genomes Project 30x 0.80778; TOPMed 0.82944; gnomAD 0.83358 and 0.83640.
gnomAD v4.1: 126,869 of 152,072 alleles (83%); highest among the groups gnomAD compares: East Asian, 86%; 52,982 homozygotes.

Submissions (2):

GeneDx
Classification: Benign. Last evaluated: 2018-06-14. Review status: criteria provided, single submitter. Criteria: GeneDx Variant Classification (06012015). Collection method: clinical testing. Allele origin: germline. Affected: yes.
Comment: This variant is considered likely benign or benign based on one or more of the following criteria: it is a conservative change, it occurs at a poorly conserved position in the protein, it is predicted to be benign by multiple in silico algorithms, and/or has population frequency not consistent with disease.

RYR1 database
No classification provided. Review status: no classification provided. Collection method: not provided. Allele origin: unknown. Not counted in ClinVar's aggregate classification.

NM_000540.3(RYR1):c.45+300T>C

Gene: RYR1 (ryanodine receptor 1; plus strand). Cytogenetic location: 19q13.2.
Variant type: single nucleotide variant.
Coding change: c.45+300T>C on transcript NM_000540.3 (MANE Select); 300 bases into the intron after coding-DNA position 45, T replaced by C.
Molecular consequence: intron variant.
Genome position (GRCh38, 1-based): chr19:38,434,174, T>C. VCF-style: chr19-38434174-T-C. GRCh37 (hg19) VCF-style: chr19-38924814-T-C.
Other names: c.45+300T>C (NM_001042723.2).
Identifiers: ClinVar variation 133131 (VCV000133131.2), dbSNP rs919781, ClinGen allele CA024449.